The following is an entry in ClinVar:

NM_003873.7(NRP1):c.1610C>T (p.Ala537Val)

Gene: NRP1 (neuropilin 1; minus strand). Cytogenetic location: 10p11.22.
Variant type: single nucleotide variant.
Coding change: c.1610C>T on transcript NM_003873.7 (MANE Select); coding-DNA position 1610, C replaced by T.
Protein change: p.Ala537Val; replaces alanine 537 with valine.
Molecular consequence: missense variant. On other transcripts: non-coding transcript variant (1).
Genome position (GRCh38, 1-based): chr10:33,213,390, G>A on the plus strand (C>T on the coding strand, the complement: NRP1 is on the minus strand). VCF-style: chr10-33213390-G-A. GRCh37 (hg19) VCF-style: chr10-33502318-G-A.
Other names: c.1610C>T, p.Ala537Val (NM_001024628.3, NM_001024629.3, NM_001244972.2 and 2 more transcripts); short protein forms A537V.
Identifiers: ClinVar variation 4990184 (VCV004990184.1).

ClinVar aggregate classification (germline): Uncertain significance (1 of 4 stars; one submission).

Conditions:
NRP1-related disorder. Also called: NRP1-related condition.

gnomAD v4.1: 17 of 1,613,786 alleles (0.0011%); highest among the groups gnomAD compares: East Asian, 0.013%; no homozygotes.

Submission:

PreventionGenetics, part of Exact Sciences
Classification: Uncertain significance for NRP1-related condition. Last evaluated: 2026-08-09. Review status: criteria provided, single submitter. Criteria: ACMG Guidelines, 2015. Collection method: clinical testing. Allele origin: germline.
Comment: The NRP1 c.1610C>T variant is predicted to result in the amino acid substitution p.Ala537Val. To our knowledge, this variant has not been reported in the literature. This variant is reported in 0.012% of alleles in individuals of African descent in gnomAD. At this time, the clinical significance of this variant is uncertain due to the absence of conclusive functional and genetic evidence.